The following is an entry in ClinVar:

ClinVar aggregate classification (germline): Benign (1 of 4 stars; one submission).

Allele frequency attached by ClinVar (database versions not stated): gnomAD 0.05509 and 0.05967; TOPMed 0.06126; 1000 Genomes Project 30x 0.08713; 1000 Genomes Project 0.08866.
gnomAD v4.1: 9,144 of 152,218 alleles (6%); highest among the groups gnomAD compares: South Asian, 17%; 332 homozygotes.

Submission:

GeneDx
Classification: Benign. Last evaluated: 2018-06-15. Review status: criteria provided, single submitter. Criteria: GeneDx Variant Classification (06012015). Collection method: clinical testing. Allele origin: germline. Affected: yes.
Comment: This variant is considered likely benign or benign based on one or more of the following criteria: it is a conservative change, it occurs at a poorly conserved position in the protein, it is predicted to be benign by multiple in silico algorithms, and/or has population frequency not consistent with disease.

NM_003001.5(SDHC):c.241+274C>T

Gene: SDHC (succinate dehydrogenase complex subunit C; plus strand). Cytogenetic location: 1q23.3.
Variant type: single nucleotide variant.
Coding change: c.241+274C>T on transcript NM_003001.5 (MANE Select); 274 bases into the intron after coding-DNA position 241, C replaced by T.
Molecular consequence: intron variant.
Genome position (GRCh38, 1-based): chr1:161,340,929, C>T. VCF-style: chr1-161340929-C-T. GRCh37 (hg19) VCF-style: chr1-161310719-C-T.
Other names: c.130+274C>T (NM_001407119.1, NM_001407120.1); c.361+274C>T (NM_001407115.1); c.241+274C>T (NM_001035511.3); c.139+274C>T (NM_001035512.3, NM_001278172.3); c.133+280C>T (NM_001407118.1); c.184+274C>T (NM_001407116.1, NM_001407121.1); c.178+280C>T (NM_001407117.1); c.82+274C>T (NM_001035513.3).
Identifiers: ClinVar variation 679696 (VCV000679696.2), dbSNP rs11265592, ClinGen allele CA10849247.